The following is an entry in ClinVar:

NM_001035.3(RYR2):c.11776-6C>T

Gene: RYR2 (ryanodine receptor 2; plus strand). Cytogenetic location: 1q43.
Variant type: single nucleotide variant.
Coding change: c.11776-6C>T on transcript NM_001035.3 (MANE Select); 6 bases into the intron before coding-DNA position 11776, C replaced by T.
Molecular consequence: intron variant.
Genome position (GRCh38, 1-based): chr1:237,778,660, C>T. VCF-style: chr1-237778660-C-T. GRCh37 (hg19) VCF-style: chr1-237941960-C-T.
Identifiers: ClinVar variation 754722 (VCV000754722.13), dbSNP rs761155489, ClinGen allele CA085061.

ClinVar aggregate classification (germline): Likely benign. Review status: criteria provided, multiple submitters, no conflicts (2 of 4 stars). 2 submissions from 2 submitters: Likely benign (2). Last evaluated 2024-09-05.

Conditions:
Catecholaminergic polymorphic ventricular tachycardia 1. Also called: RYR2-Related Catecholaminergic Polymorphic Ventricular Tachycardia; VENTRICULAR TACHYCARDIA, STRESS-INDUCED POLYMORPHIC 1; VENTRICULAR TACHYCARDIA, CATECHOLAMINERGIC POLYMORPHIC, 1, WITH OR WITHOUT ATRIAL DYSFUNCTION AND/OR DILATED CARDIOMYOPATHY. Identifiers: Orphanet 3286, MedGen C1631597, MONDO:0011484, OMIM 604772.
Catecholaminergic polymorphic ventricular tachycardia (CVPT). Also called: Catecholamine-induced polymorphic ventricular tachycardia. Identifiers: Orphanet 3286, MedGen C5574922, MONDO:0017990.

Allele frequency attached by ClinVar (database versions not stated): gnomAD exomes below 0.00001; ExAC 0.00001; gnomAD 0.00001; TOPMed 0.00001.
gnomAD v4.1: 5 of 1,523,518 alleles (0.00033%); highest among the groups gnomAD compares: African/African-American, 0.0055%; no homozygotes.

Submissions (2):

Labcorp Genetics (formerly Invitae), Labcorp
Classification: Likely benign for Catecholaminergic polymorphic ventricular tachycardia 1. Last evaluated: 2024-09-05. Review status: criteria provided, single submitter. Criteria: Invitae Variant Classification Sherloc (09022015). Collection method: clinical testing. Allele origin: germline.

All of Us Research Program, National Institutes of Health
Classification: Likely benign for Catecholaminergic polymorphic ventricular tachycardia. Last evaluated: 2023-12-13. Review status: criteria provided, single submitter. Criteria: ACMG Guidelines, 2015. Collection method: clinical testing. Allele origin: germline. Inheritance: Autosomal dominant inheritance. Observed: 1 variant allele, 1 heterozygote.
Comment: This study involves interpretation of variants in research participants for the purpose of population health screening. Participant phenotype was not available at the time of variant classification. Additional details can be found in publication PMID: 35346344, PMCID: PMC8962531